The following is an entry in ClinVar:

ClinVar aggregate classification (germline): Uncertain significance (1 of 4 stars; one submission).

Submission:

Dasa
Classification: Uncertain significance. Last evaluated: 2026-07-25. Review status: criteria provided, single submitter. Criteria: DASA Assertion Criteria. Collection method: clinical testing. Allele origin: germline.
Comment: NM_000531.6(OTC):c.23T>C (p.Leu8Pro) is a missense variant that results in the substitution of leucine with proline. This variant is absent from population databases. Computational prediction algorithms are consistent with a deleterious effect. The currently available literature and clinical evidence are not sufficient to establish a definitive association between this variant and the reported condition. Therefore, this variant is classified as a variant of uncertain significance.

NM_000531.6(OTC):c.23T>C (p.Leu8Pro)

Gene: OTC (ornithine transcarbamylase; plus strand). Cytogenetic location: Xp11.4.
Variant type: single nucleotide variant.
Coding change: c.23T>C on transcript NM_000531.6 (MANE Select); coding-DNA position 23, T replaced by C.
Protein change: p.Leu8Pro; replaces leucine 8 with proline.
Molecular consequence: missense variant.
Genome position (GRCh38, 1-based): chrX:38,352,719, T>C. VCF-style: chrX-38352719-T-C. GRCh37 (hg19) VCF-style: chrX-38211972-T-C.
Other names: c.23T>C, p.Leu8Pro (NM_001407092.1); short protein forms L8P.
Identifiers: ClinVar variation 5020128 (VCV005020128.1).